The following is an entry in ClinVar:

ClinVar aggregate classification (germline): Uncertain significance. Review status: criteria provided, multiple submitters, no conflicts (2 of 4 stars). 2 submissions from 2 submitters: Uncertain significance (2). Last evaluated 2025-08-01.

gnomAD v4.1: 61 of 1,614,004 alleles (0.0038%); highest among the groups gnomAD compares: African/African-American, 0.0067%; 1 homozygote.

Submissions (2):

CeGaT Center for Human Genetics Tuebingen
Classification: Uncertain significance. Last evaluated: 2025-08-01. Review status: criteria provided, single submitter. Criteria: CeGaT Center For Human Genetics Tuebingen Variant Classification Criteria Version 2. Collection method: clinical testing. Allele origin: germline. Affected: yes. Observed: 1 variant allele.
Comment: ANK3: PM2

Labcorp Genetics (formerly Invitae), Labcorp
Classification: Uncertain significance. Last evaluated: 2025-07-08. Review status: criteria provided, single submitter. Criteria: Invitae Variant Classification Sherloc (09022015). Collection method: clinical testing. Allele origin: germline.
Comment: This sequence change replaces serine, which is neutral and polar, with leucine, which is neutral and non-polar, at codon 1544 of the ANK3 protein (p.Ser1544Leu). This variant is present in population databases (rs754585055, gnomAD 0.01%), including at least one homozygous and/or hemizygous individual. This variant has not been reported in the literature in individuals affected with ANK3-related conditions. Invitae Evidence Modeling of protein sequence and biophysical properties (such as structural, functional, and spatial information, amino acid conservation, physicochemical variation, residue mobility, and thermodynamic stability) indicates that this missense variant is not expected to disrupt ANK3 protein function with a negative predictive value of 80%. In summary, the available evidence is currently insufficient to determine the role of this variant in disease. Therefore, it has been classified as a Variant of Uncertain Significance.

NM_020987.5(ANK3):c.4631C>T (p.Ser1544Leu)

Gene: ANK3 (ankyrin 3; minus strand). Cytogenetic location: 10q21.2.
Variant type: single nucleotide variant.
Coding change: c.4631C>T on transcript NM_020987.5 (MANE Select); coding-DNA position 4631, C replaced by T.
Protein change: p.Ser1544Leu; replaces serine 1544 with leucine.
Molecular consequence: missense variant. On other transcripts: intron variant (4).
Genome position (GRCh38, 1-based): chr10:60,076,250, G>A on the plus strand (C>T on the coding strand, the complement: ANK3 is on the minus strand). VCF-style: chr10-60076250-G-A. GRCh37 (hg19) VCF-style: chr10-61836008-G-A.
Other names: c.4387+4287C>T (NM_001204403.2); c.4408+4287C>T (NM_001204404.2); c.4405+4287C>T (NM_001320874.2); c.1807+4287C>T (NM_001149.4); short protein forms S1544L.
Identifiers: ClinVar variation 4084007 (VCV004084007.9).